The following is an entry in ClinVar:

NM_013275.6(ANKRD11):c.2620G>A (p.Ala874Thr)

Gene: ANKRD11 (ankyrin repeat domain 11; minus strand). Cytogenetic location: 16q24.3.
Variant type: single nucleotide variant.
Coding change: c.2620G>A on transcript NM_013275.6 (MANE Select); coding-DNA position 2620, G replaced by A.
Protein change: p.Ala874Thr; replaces alanine 874 with threonine.
Molecular consequence: missense variant.
Genome position (GRCh38, 1-based): chr16:89,283,922, C>T on the plus strand (G>A on the coding strand, the complement: ANKRD11 is on the minus strand). VCF-style: chr16-89283922-C-T. GRCh37 (hg19) VCF-style: chr16-89350330-C-T.
Other names: c.2620G>A, p.Ala874Thr (NM_001256182.2, NM_001256183.2); short protein forms A874T.
Identifiers: ClinVar variation 1708884 (VCV001708884.3), dbSNP rs2544240612, ClinGen allele CA397161960.

ClinVar aggregate classification (germline): Uncertain significance. Review status: criteria provided, multiple submitters, no conflicts (2 of 4 stars). 2 submissions from 2 submitters: Uncertain significance (2). Last evaluated 2025-09-03.

Submissions (2):

Women's Health and Genetics/Laboratory Corporation of America, LabCorp
Classification: Uncertain significance. Last evaluated: 2025-09-03. Review status: criteria provided, single submitter. Criteria: LabCorp Variant Classification Summary - May 2015. Collection method: clinical testing. Allele origin: germline.
Comment: Variant summary: ANKRD11 c.2620G>A (p.Ala874Thr) results in a non-conservative amino acid change in the encoded protein sequence. Algorithms developed to predict the effect of missense changes on protein structure and function are either unavailable or do not agree on the potential impact of this missense change. The variant was absent in 251384 control chromosomes. The available data on variant occurrences in the general population are insufficient to allow any conclusion about variant significance. To our knowledge, no occurrence of c.2620G>A in individuals affected with ANKRD11-related conditions and no experimental evidence demonstrating its impact on protein function have been reported. ClinVar contains an entry for this variant (Variation ID: 1708884). Based on the evidence outlined above, the variant was classified as uncertain significance.

GeneDx
Classification: Uncertain significance. Last evaluated: 2022-11-16. Review status: criteria provided, single submitter. Criteria: GeneDx Variant Classification Process June 2021. Collection method: clinical testing. Allele origin: germline. Affected: yes.
Comment: Not observed at significant frequency in large population cohorts (gnomAD); In silico analysis supports that this missense variant does not alter protein structure/function; Has not been previously published as pathogenic or benign to our knowledge